The following is an entry in ClinVar:

ClinVar aggregate classification (germline): Uncertain significance (1 of 4 stars; one submission).

Conditions:
Myopathy, proximal, and ophthalmoplegia (CMYO6). Also called: MYOPATHY WITH CONGENITAL JOINT CONTRACTURES, OPHTHALMOPLEGIA, AND RIMMED VACUOLES; INCLUSION BODY MYOPATHY 3, AUTOSOMAL DOMINANT; CONGENITAL MYOPATHY 6 WITH OPHTHALMOPLEGIA. Identifiers: Orphanet 363677, Orphanet 79091, MedGen C1854106, MONDO:0011577, OMIM 605637.

Allele frequency attached by ClinVar (database versions not stated): ExAC 0.00001; TOPMed 0.00002; ESP Exome Variant Server 0.00008.
gnomAD v4.1: 10 of 1,614,118 alleles (0.00062%); highest among the groups gnomAD compares: South Asian, 0.0011%; no homozygotes.

Submission:

Labcorp Genetics (formerly Invitae), Labcorp
Classification: Uncertain significance for Myopathy, proximal, and ophthalmoplegia. Last evaluated: 2022-06-09. Review status: criteria provided, single submitter. Criteria: Invitae Variant Classification Sherloc (09022015). Collection method: clinical testing. Allele origin: germline.
Comment: In summary, the available evidence is currently insufficient to determine the role of this variant in disease. Therefore, it has been classified as a Variant of Uncertain Significance. Algorithms developed to predict the effect of missense changes on protein structure and function (SIFT, PolyPhen-2, Align-GVGD) all suggest that this variant is likely to be disruptive. ClinVar contains an entry for this variant (Variation ID: 645793). This variant has not been reported in the literature in individuals affected with MYH2-related conditions. This variant is present in population databases (rs369618095, gnomAD 0.003%). This sequence change replaces arginine, which is basic and polar, with histidine, which is basic and polar, at codon 709 of the MYH2 protein (p.Arg709His).

NM_017534.6(MYH2):c.2126G>A (p.Arg709His)

Genes: MYH2 (myosin heavy chain 2; minus strand), MYHAS (myosin heavy chain gene cluster antisense RNA; plus strand). Cytogenetic location: 17p13.1.
Variant type: single nucleotide variant.
Coding change: c.2126G>A on transcript NM_017534.6 (MANE Select); coding-DNA position 2126, G replaced by A.
Protein change: p.Arg709His; replaces arginine 709 with histidine.
Molecular consequence: missense variant.
Genome position (GRCh38, 1-based): chr17:10,535,127, C>T on the plus strand (G>A on the coding strand, the complement: MYH2 is on the minus strand). VCF-style: chr17-10535127-C-T. GRCh37 (hg19) VCF-style: chr17-10438444-C-T.
Other names: c.2126G>A, p.Arg709His (NM_001100112.2); short protein forms R709H.
Identifiers: ClinVar variation 645793 (VCV000645793.6), dbSNP rs369618095, ClinGen allele CA8391207.